The following is an entry in ClinVar:

ClinVar aggregate classification (germline): Pathogenic/Likely pathogenic. Review status: criteria provided, multiple submitters, no conflicts (2 of 4 stars). 2 submissions from 2 submitters: Pathogenic (1); Likely pathogenic (1). Last evaluated 2024-04-01.

Conditions:
Ehlers-Danlos syndrome, type 4 (EDSVASC). Also called: Ehlers-Danlos syndrome vascular type; Ehlers Danlos syndrome, ecchymotic type; Ehlers Danlos syndrome, arterial type; Ehlers Danlos syndrome, Sack-Barabas type; Ehlers-Danlos Syndrome Type IV. Identifiers: Orphanet 286, MedGen C0268338, MONDO:0017314, OMIM 130050.

Submissions (2):

CeGaT Center for Human Genetics Tuebingen
Classification: Likely pathogenic. Last evaluated: 2024-04-01. Review status: criteria provided, single submitter. Criteria: CeGaT Center For Human Genetics Tuebingen Variant Classification Criteria Version 2. Collection method: clinical testing. Allele origin: germline. Affected: yes. Observed: 1 variant allele.
Comment: COL3A1: PM1:Strong, PM2, PM5, PP3

Labcorp Genetics (formerly Invitae), Labcorp
Classification: Pathogenic for Ehlers-Danlos syndrome, type 4. Last evaluated: 2023-08-07. Review status: criteria provided, single submitter. Criteria: Invitae Variant Classification Sherloc (09022015). Collection method: clinical testing. Allele origin: germline.
Comment: For these reasons, this variant has been classified as Pathogenic. This variant disrupts the triple helix domain of COL3A1. Glycine residues within the Gly-Xaa-Yaa repeats of the triple helix domain are required for the structure and stability of fibrillar collagens (PMID: 7695699, 8218237, 19344236). In COL3A1, variants that affect these glycine residues are significantly enriched in individuals with disease (PMID: 24922459, 25758994) compared to the general population (ExAC). Advanced modeling of protein sequence and biophysical properties (such as structural, functional, and spatial information, amino acid conservation, physicochemical variation, residue mobility, and thermodynamic stability) performed at Invitae indicates that this missense variant is expected to disrupt COL3A1 protein function. ClinVar contains an entry for this variant (Variation ID: 459785). This missense change has been observed in individual(s) with COL3A1-related disease (Invitae). In at least one individual the variant was observed to be de novo. This variant is not present in population databases (gnomAD no frequency). This sequence change replaces glycine, which is neutral and non-polar, with glutamic acid, which is acidic and polar, at codon 1065 of the COL3A1 protein (p.Gly1065Glu).

Literature cited by the submitters: PubMed 7695699 (cited by Labcorp Genetics (formerly Invitae), Labcorp); PubMed 8218237 (cited by Labcorp Genetics (formerly Invitae), Labcorp); PubMed 19344236 (cited by Labcorp Genetics (formerly Invitae), Labcorp); PubMed 24922459 (cited by Labcorp Genetics (formerly Invitae), Labcorp); PubMed 25758994 (cited by Labcorp Genetics (formerly Invitae), Labcorp).

NM_000090.4(COL3A1):c.3194G>A (p.Gly1065Glu)

Gene: COL3A1 (collagen type III alpha 1 chain; plus strand). Cytogenetic location: 2q32.2.
Variant type: single nucleotide variant.
Coding change: c.3194G>A on transcript NM_000090.4 (MANE Select); coding-DNA position 3194, G replaced by A.
Protein change: p.Gly1065Glu; replaces glycine 1065 with glutamic acid.
Molecular consequence: missense variant.
Genome position (GRCh38, 1-based): chr2:189,006,445, G>A. VCF-style: chr2-189006445-G-A. GRCh37 (hg19) VCF-style: chr2-189871171-G-A.
Other names: short protein forms G1065E.
Identifiers: ClinVar variation 459785 (VCV000459785.29), dbSNP rs1553509430, ClinGen allele CA349845199.
Genomic context (GRCh38, chr2:189,006,445, plus strand): 5'-CTCCTGGTCATCCAGGCCCACCTGGTCCTGTCGGTCCAGCTGGAAAGAGTGGTGACAGAG[G>A]AGAAAGTGTGAGTTCCCAAAAGCAGCATCTGTCTTGTTTGTCTATTTCCTTCAATAAAGA-3'
Protein context (NP_000081.2, residues 1055-1075): VGPAGKSGDR[Gly1065Glu]ESGPAGPAGA